The following is an entry in ClinVar:

NM_015272.5(RPGRIP1L):c.2862C>G (p.Ser954Arg)

Gene: RPGRIP1L (RPGRIP1 like; minus strand). Cytogenetic location: 16q12.2.
Variant type: single nucleotide variant.
Coding change: c.2862C>G on transcript NM_015272.5 (MANE Select); coding-DNA position 2862, C replaced by G.
Protein change: p.Ser954Arg; replaces serine 954 with arginine.
Molecular consequence: missense variant.
Genome position (GRCh38, 1-based): chr16:53,641,297, G>C on the plus strand (C>G on the coding strand, the complement: RPGRIP1L is on the minus strand). VCF-style: chr16-53641297-G-C. GRCh37 (hg19) VCF-style: chr16-53675209-G-C.
Other names: c.2862C>G, p.Ser954Arg (NM_001127897.4, NM_001308334.3, NM_001330538.2); short protein forms S954R.
Identifiers: ClinVar variation 3348311 (VCV003348311.1).

ClinVar aggregate classification (germline): Uncertain significance (0 of 4 stars; one submission).

Conditions:
RPGRIP1L-related disorder. Also called: RPGRIP1L-related condition; RPGRIP1L-related disorders. Identifiers: MedGen CN239416.

gnomAD v4.1: 1 of 1,613,844 alleles (0.000062%); highest among the groups gnomAD compares: Admixed American, 0.0017%; no homozygotes.

Submission:

PreventionGenetics, part of Exact Sciences
Classification: Uncertain significance for RPGRIP1L-related condition. Last evaluated: 2023-12-27. Review status: no assertion criteria provided. Collection method: clinical testing. Allele origin: germline.
Comment: The RPGRIP1L c.2862C>G variant is predicted to result in the amino acid substitution p.Ser954Arg. To our knowledge, this variant has not been reported in the literature. This variant is reported in 0.0029% of alleles in individuals of Latino descent in gnomAD. At this time, the clinical significance of this variant is uncertain due to the absence of conclusive functional and genetic evidence.